The following is an entry in ClinVar:

ClinVar aggregate classification (germline): Uncertain significance (1 of 4 stars; one submission).

gnomAD v4.1: 85 of 1,536,832 alleles (0.0055%); highest among the groups gnomAD compares: Admixed American, 0.12%; no homozygotes.

Submission:

GeneDx
Classification: Uncertain significance. Last evaluated: 2024-05-07. Review status: criteria provided, single submitter. Criteria: GeneDx Variant Classification Process June 2021. Collection method: clinical testing. Allele origin: germline. Affected: yes.
Comment: In silico analysis indicates that this missense variant does not alter protein structure/function; Has not been previously published as pathogenic or benign to our knowledge

NM_001256071.3(RNF213):c.5497G>A (p.Val1833Ile)

Gene: RNF213 (ring finger protein 213; plus strand). Cytogenetic location: 17q25.3.
Variant type: single nucleotide variant.
Coding change: c.5497G>A on transcript NM_001256071.3 (MANE Select); coding-DNA position 5497, G replaced by A.
Protein change: p.Val1833Ile; replaces valine 1833 with isoleucine.
Molecular consequence: missense variant.
Genome position (GRCh38, 1-based): chr17:80,339,864, G>A. VCF-style: chr17-80339864-G-A. GRCh37 (hg19) VCF-style: chr17-78313664-G-A.
Other names: c.5644G>A, p.Val1882Ile (NM_001410195.1, NM_020914.5); short protein forms V1833I, V1882I.
Identifiers: ClinVar variation 3378115 (VCV003378115.1).